The following is an entry in ClinVar:

NM_001374828.1(ARID1B):c.1322A>T (p.Tyr441Phe)

Gene: ARID1B (AT-rich interaction domain 1B; plus strand). Cytogenetic location: 6q25.3.
Variant type: single nucleotide variant.
Coding change: c.1322A>T on transcript NM_001374828.1 (MANE Select); coding-DNA position 1322, A replaced by T.
Protein change: p.Tyr441Phe; replaces tyrosine 441 with phenylalanine.
Molecular consequence: missense variant.
Genome position (GRCh38, 1-based): chr6:156,779,002, A>T. VCF-style: chr6-156779002-A-T. GRCh37 (hg19) VCF-style: chr6-157100136-A-T.
Other names: c.1322A>T, p.Tyr441Phe (NM_001371656.1, NM_001374820.1, NM_001438482.1 and 9 more transcripts); short protein forms Y441F.
Identifiers: ClinVar variation 4747317 (VCV004747317.1).
Genomic context (GRCh38, chr6:156,779,002, plus strand): 5'-CTGTGGCGGCGGCGGCCGCGGCGGCGGCGGCAGCAGCAGGAGGCGGCGGCGGCGGCGGCT[A>T]TGGGGGCTCGTCCGCGGGGTACGGGGTGCTGAGCTCCCCCCGGCAGCAGGGCGGCGGCAT-3'
Protein context (NP_001361757.1, residues 431-451): AAAGGGGGGG[Tyr441Phe]GGSSAGYGVL

ClinVar aggregate classification (germline): Uncertain significance (1 of 4 stars; one submission).

gnomAD v4.1: 1 of 1,256,014 alleles (0.00008%); no homozygotes.

Submission:

Labcorp Genetics (formerly Invitae), Labcorp
Classification: Uncertain significance. Last evaluated: 2025-12-17. Review status: criteria provided, single submitter. Criteria: Invitae Variant Classification Sherloc (09022015). Collection method: clinical testing. Allele origin: germline.
Comment: This sequence change replaces tyrosine, which is neutral and polar, with phenylalanine, which is neutral and non-polar, at codon 358 of the ARID1B protein (p.Tyr358Phe). The frequency data for this variant in the population databases is considered unreliable, as metrics indicate insufficient coverage at this position in the gnomAD database. This variant has not been reported in the literature in individuals affected with ARID1B-related conditions. Invitae Evidence Modeling of protein sequence and biophysical properties (such as structural, functional, and spatial information, amino acid conservation, physicochemical variation, residue mobility, and thermodynamic stability) indicates that this missense variant is not expected to disrupt ARID1B protein function with a negative predictive value of 95%. In summary, the available evidence is currently insufficient to determine the role of this variant in disease. Therefore, it has been classified as a Variant of Uncertain Significance.